The following is an entry in ClinVar:

NM_001063.4(TF):c.1706G>A (p.Trp569Ter)

Gene: TF (transferrin; plus strand). Cytogenetic location: 3q22.1.
Variant type: single nucleotide variant.
Coding change: c.1706G>A on transcript NM_001063.4 (MANE Select); coding-DNA position 1706, G replaced by A.
Protein change: p.Trp569Ter; replaces tryptophan 569 with a stop codon.
Molecular consequence: nonsense.
Genome position (GRCh38, 1-based): chr3:133,775,451, G>A. VCF-style: chr3-133775451-G-A. GRCh37 (hg19) VCF-style: chr3-133494295-G-A.
Other names: c.1574G>A, p.Trp525Ter (NM_001354703.2); c.1325G>A, p.Trp442Ter (NM_001354704.2); short protein forms W442*, W525*, W569*.
Identifiers: ClinVar variation 5013978 (VCV005013978.1).

ClinVar aggregate classification (germline): Pathogenic (1 of 4 stars; one submission).

Conditions:
Atransferrinemia. Also called: Familial hypotransferrinemia. Identifiers: Orphanet 1195, MedGen C0521802, MONDO:0008846, OMIM 209300, HP:0012239.

gnomAD v4.1: 2 of 1,614,190 alleles (0.00012%); highest among the groups gnomAD compares: Non-Finnish European, 0.00017%; no homozygotes.

Submission:

Myriad Genetics, Inc.
Classification: Pathogenic for Atransferrinemia. Last evaluated: 2025-01-18. Review status: criteria provided, single submitter. Criteria: Myriad Autosomal Dominant, Autosomal Recessive and X-Linked Classification Criteria (2023). Collection method: clinical testing. Allele origin: unknown.
Comment: NM_001063.3(TF):c.1706G>A(W569*) is expected to be pathogenic in the context of atransferrinemia. This variant is predicted to lead to an abnormal or absent protein product due to the creation of a premature termination codon in TF, a gene where loss-of-function variants are known to be pathogenic. Please note: this variant was assessed in the context of healthy population screening.